The following is an entry in ClinVar:

NM_024665.7(TBL1XR1):c.1277T>G (p.Leu426Ter)

Gene: TBL1XR1 (TBL1X/Y related 1; minus strand). Cytogenetic location: 3q26.32.
Variant type: single nucleotide variant.
Coding change: c.1277T>G on transcript NM_024665.7 (MANE Select); coding-DNA position 1277, T replaced by G.
Protein change: p.Leu426Ter; replaces leucine 426 with a stop codon.
Molecular consequence: nonsense.
Genome position (GRCh38, 1-based): chr3:177,033,110, A>C on the plus strand (T>G on the coding strand, the complement: TBL1XR1 is on the minus strand). VCF-style: chr3-177033110-A-C. GRCh37 (hg19) VCF-style: chr3-176750898-A-C.
Other names: c.1277T>G, p.Leu426Ter (NM_001321193.3, NM_001321194.3, NM_001374327.1 and 2 more transcripts); c.1016T>G, p.Leu339Ter (NM_001321195.3, NM_001374330.1); short protein forms L339*, L426*.
Identifiers: ClinVar variation 3775175 (VCV003775175.1).

ClinVar aggregate classification (germline): Likely pathogenic (1 of 4 stars; one submission).

Conditions:
Pierpont syndrome (PRPTS). Identifiers: Orphanet 487825, MedGen C1865644, MONDO:0011213, OMIM 602342.

Submission:

3billion
Classification: Likely pathogenic for Pierpont syndrome. Last evaluated: 2023-08-25. Review status: criteria provided, single submitter. Criteria: ACMG Guidelines, 2015. Collection method: clinical testing. Allele origin: germline. Affected: yes.
Comment: The variant is not observed in the gnomAD v2.1.1 dataset. Predicted Consequence/Location: Stop-gained (nonsense): predicted to result in a loss or disruption of normal protein function through nonsense-mediated decay (NMD) or protein truncation. Multiple pathogenic variants are reported downstream of the variant. Therefore, this variant is classified as Likely pathogenic according to the recommendation of ACMG/AMP guideline.